The following is an entry in ClinVar:

ClinVar aggregate classification (germline): Pathogenic/Likely pathogenic. Review status: criteria provided, multiple submitters, no conflicts (2 of 4 stars). 6 submissions from 6 submitters: Pathogenic (4); Likely pathogenic (2). Last evaluated 2025-11-19.

Conditions:
Retinitis pigmentosa 1 (RP1). Identifiers: Orphanet 791, MedGen C0220701, MONDO:0008377, OMIM 180100.
RP1-related recessive retinopathy. Identifiers: MedGen CN322605, MONDO:0800399.
RP1-related disorder. Also called: RP1-related condition.

Submissions (6):

Labcorp Genetics (formerly Invitae), Labcorp
Classification: Pathogenic. Last evaluated: 2025-11-19. Review status: criteria provided, single submitter. Criteria: Invitae Variant Classification Sherloc (09022015). Collection method: clinical testing. Allele origin: germline.
Comment: This sequence change creates a premature translational stop signal (p.Gly223Glufs*41) in the RP1 gene. While this is not anticipated to result in nonsense mediated decay, it is expected to disrupt the last 1934 amino acid(s) of the RP1 protein. This variant is present in population databases (no rsID available, gnomAD 0.006%). This premature translational stop signal has been observed in individual(s) with autosomal recessive retinitis pigmentosa (PMID: 32565670). In at least one individual the data is consistent with being in trans (on the opposite chromosome) from a pathogenic variant. ClinVar contains an entry for this variant (Variation ID: 862472). This variant disrupts the C-terminus of the RP1 protein. Many variants that disrupt this region have been reported in individuals with either autosomal dominant or autosomal recessive retinitis pigmentosa (PMID: 11527933, 19933189, 29425069, 30027431, 33681214). Therefore, variants that disrupt this region are expected to be disease-causing. For these reasons, this variant has been classified as Pathogenic.

GeneDx
Classification: Likely pathogenic. Last evaluated: 2025-05-13. Review status: criteria provided, single submitter. Criteria: GeneDx Variant Classification Process June 2021. Collection method: clinical testing. Allele origin: germline.
Comment: Frameshift variant predicted to result in abnormal protein length as the last 1934 amino acid(s) are replaced with 40 different amino acid(s), and other similar variants have been reported in HGMD; This variant is associated with the following publications: (PMID: 31964843, 36819107, 34906470, 32037395, 32565670, 38219857)

PreventionGenetics, part of Exact Sciences
Classification: Pathogenic for RP1-related condition. Last evaluated: 2024-11-05. Review status: criteria provided, single submitter. Criteria: ACMG Guidelines, 2015. Collection method: clinical testing. Allele origin: germline.
Comment: The RP1 c.668delG variant is predicted to result in a frameshift and premature protein termination (p.Gly223Glufs*41). This variant has been reported in multiple individuals with retinal degeneration, along with a second RP1 allele or in the homozygous state (for example, see Huckfeldt et al. 2020. PubMed ID: 32565670; Table S1, Lin et al. 2024. PubMed ID: 38219857; Supplementary Table 3, Zampaglione et al. 2022. PubMed ID: 34906470). This variant is reported in 0.0054% of alleles in individuals of European (Non-Finnish) descent in gnomAD. Frameshift variants in RP1 are an established mechanism of disease. This variant is interpreted as pathogenic for autosomal recessive disease.

Department of Pathology and Laboratory Medicine, Sinai Health System
Classification: Pathogenic for RP1-related recessive retinopathy. Last evaluated: 2022-10-31. Review status: criteria provided, single submitter. Criteria: ACMG Guidelines, 2015. Collection method: research. Allele origin: germline.

Ocular Genomics Institute, Massachusetts Eye and Ear
Classification: Likely pathogenic for Retinitis pigmentosa 1. Last evaluated: 2021-04-08. Review status: criteria provided, single submitter. Criteria: ACMG Guidelines, 2015. Collection method: research. Allele origin: germline. Affected: yes.
Comment: Through a review of available evidence we were able to apply the following criteria: PVS1, PM2. Based on this evidence we have classified this variant as Likely Pathogenic.

Blueprint Genetics
Classification: Pathogenic for RP1-related disorders. Last evaluated: 2018-10-19. Review status: criteria provided, single submitter. Criteria: ACMG Guidelines, 2015. Collection method: clinical testing. Allele origin: germline. Affected: yes. Observed: 5 variant alleles.

Literature cited by the submitters: PubMed 32565670 (cited by Labcorp Genetics (formerly Invitae), Labcorp); PubMed 11527933 (cited by Labcorp Genetics (formerly Invitae), Labcorp); PubMed 19933189 (cited by Labcorp Genetics (formerly Invitae), Labcorp); PubMed 29425069 (cited by Labcorp Genetics (formerly Invitae), Labcorp); PubMed 30027431 (cited by Labcorp Genetics (formerly Invitae), Labcorp); PubMed 33681214 (cited by Labcorp Genetics (formerly Invitae), Labcorp).

NM_006269.2(RP1):c.668del (p.Gly223fs)

Gene: RP1 (RP1 axonemal microtubule associated; plus strand). Cytogenetic location: 8q12.1.
Variant type: Deletion.
Coding change: c.668del on transcript NM_006269.2 (MANE Select); coding-DNA position 668, one base deleted (G; older notation c.668delG).
Protein change: p.Gly223fs; shifts the reading frame from glycine 223.
Molecular consequence: frameshift variant.
Genome position (GRCh38, 1-based): chr8:54,622,169, G deleted; the last of 2 consecutive G bases (chr8:54,622,168-54,622,169); deleting either gives the same sequence. VCF-style (leftmost placement, unchanged base first): chr8-54622167-AG-A. GRCh37 (hg19) VCF-style: chr8-55534727-AG-A.
Other names: c.668del, p.Gly223fs (NM_001375654.1); c.668delG (NM_006269.1); short protein forms G223fs.
Identifiers: ClinVar variation 862472 (VCV000862472.15), dbSNP rs1231321479, ClinGen allele CA581938277.